The following is an entry in ClinVar:

ClinVar aggregate classification (germline): Uncertain significance (1 of 4 stars; one submission).

Submission:

GeneDx
Classification: Uncertain significance. Last evaluated: 2023-12-14. Review status: criteria provided, single submitter. Criteria: GeneDx Variant Classification Process June 2021. Collection method: clinical testing. Allele origin: germline. Affected: yes.
Comment: Not observed at significant frequency in large population cohorts (gnomAD); In silico analysis supports that this missense variant does not alter protein structure/function; Has not been previously published as pathogenic or benign to our knowledge

NM_052876.4(NACC1):c.1310T>G (p.Leu437Arg)

Gene: NACC1 (nucleus accumbens associated 1; plus strand). Cytogenetic location: 19p13.13.
Variant type: single nucleotide variant.
Coding change: c.1310T>G on transcript NM_052876.4 (MANE Select); coding-DNA position 1310, T replaced by G.
Protein change: p.Leu437Arg; replaces leucine 437 with arginine.
Molecular consequence: missense variant.
Genome position (GRCh38, 1-based): chr19:13,137,561, T>G. VCF-style: chr19-13137561-T-G. GRCh37 (hg19) VCF-style: chr19-13248375-T-G.
Other names: short protein forms L437R.
Identifiers: ClinVar variation 3342879 (VCV003342879.1).
Genomic context (GRCh38, chr19:13,137,561, plus strand): 5'-GCACCGGCATCCGCTCTTCTACCAACGATCCCCGTCGGAAGCCCCTGGACAGCCGCGTGC[T>G]CCACGCTGTCAAGTGTGAGTGTTGGCCCAGCTGGACGAGGCGTGGGCCCGGGGCACGCAG-3'
Protein context (NP_443108.1, residues 427-447): PRRKPLDSRV[Leu437Arg]HAVKYYCQNF